The following is an entry in ClinVar:

NM_005845.5(ABCC4):c.1406T>A (p.Val469Asp)

Gene: ABCC4 (ATP binding cassette subfamily C member 4 (PEL blood group); minus strand). Cytogenetic location: 13q32.1.
Variant type: single nucleotide variant.
Coding change: c.1406T>A on transcript NM_005845.5 (MANE Select); coding-DNA position 1406, T replaced by A.
Protein change: p.Val469Asp; replaces valine 469 with aspartic acid.
Molecular consequence: missense variant.
Genome position (GRCh38, 1-based): chr13:95,186,840, A>T on the plus strand (T>A on the coding strand, the complement: ABCC4 is on the minus strand). VCF-style: chr13-95186840-A-T. GRCh37 (hg19) VCF-style: chr13-95839094-A-T.
Other names: p.Val469Asp; c.1406T>A, p.Val469Asp (NM_001105515.3, NM_001301829.2); c.1181T>A, p.Val394Asp (NM_001301830.2); short protein forms V469D, V394D.
Identifiers: ClinVar variation 4541791 (VCV004541791.1).
Genomic context (GRCh38, chr13:95,186,840, plus strand): 5'-AGAGTTCCCGAGAACACCCAGGGCTGCTGAGACACATAGGCAATTCTTCCATGCACGCTG[A>T]CCAGCCCGTGACTTGGGGCCAATTCCCCGAGCACGGCACTTAACAGTGATGACTGAAACA-3'
Protein context (NP_005836.2, residues 459-479): LGELAPSHGL[Val469Asp]SVHGRIAYVS

ClinVar aggregate classification (germline): Uncertain significance (1 of 4 stars; one submission).

Submission:

Mayo Clinic Laboratories, Mayo Clinic
Classification: Uncertain significance. Last evaluated: 2025-05-01. Review status: criteria provided, single submitter. Criteria: ACMG Guidelines, 2015. Collection method: clinical testing. Allele origin: germline. Observed: 1 variant allele.
Comment: PP3_moderate, PM2_supporting